The following is an entry in ClinVar:

ClinVar aggregate classification (germline): Conflicting classifications of pathogenicity. Review status: criteria provided, conflicting classifications (1 of 4 stars). 2 submissions from 2 submitters: Uncertain significance (1); Likely benign (1). Last evaluated 2025-09-01.

Conditions:
Inborn genetic diseases. Identifiers: MedGen C0950123, MeSH D030342.

gnomAD v4.1: 8 of 1,209,917 alleles (0.00066%); highest among the groups gnomAD compares: Admixed American, 0.0044%; no homozygotes.

Submissions (2):

CeGaT Center for Human Genetics Tuebingen
Classification: Likely benign. Last evaluated: 2025-09-01. Review status: criteria provided, single submitter. Criteria: CeGaT Center For Human Genetics Tuebingen Variant Classification Criteria Version 2. Collection method: clinical testing. Allele origin: germline. Affected: yes. Observed: 1 variant allele.
Comment: GPC4: BP4

Ambry Genetics
Classification: Uncertain significance for Inborn genetic diseases. Last evaluated: 2025-08-11. Review status: criteria provided, single submitter. Criteria: Ambry Variant Classification Scheme 2023. Collection method: clinical testing. Allele origin: germline.

NM_001448.3(GPC4):c.1396A>G (p.Met466Val)

Gene: GPC4 (glypican 4; minus strand). Cytogenetic location: Xq26.2.
Variant type: single nucleotide variant.
Coding change: c.1396A>G on transcript NM_001448.3 (MANE Select); coding-DNA position 1396, A replaced by G.
Protein change: p.Met466Val; replaces methionine 466 with valine.
Molecular consequence: missense variant.
Genome position (GRCh38, 1-based): chrX:133,303,238, T>C on the plus strand (A>G on the coding strand, the complement: GPC4 is on the minus strand). VCF-style: chrX-133303238-T-C. GRCh37 (hg19) VCF-style: chrX-132437266-T-C.
Other names: short protein forms M466V.
Identifiers: ClinVar variation 4265494 (VCV004265494.8).
Genomic context (GRCh38, chrX:133,303,238, plus strand): 5'-AGTCCACGTCGTTCCCATTGTATGCATTCTTCATCTTGCTGGTCATCACTCGAAGAGCCA[T>C]GATTTGACGAAGGATCAGTATGTCTGGTTTGCTGGTGTCAACCTGGACCTCTGGGTTGTT-3'
Protein context (NP_001439.2, residues 456-476): KPDILILRQI[Met466Val]ALRVMTSKMK